The following is an entry in ClinVar:

NM_001366207.1(DLG1):c.483+10834C>T

Gene: DLG1 (discs large MAGUK scaffold protein 1; minus strand). Cytogenetic location: 3q29.
Variant type: single nucleotide variant.
Coding change: c.483+10834C>T on transcript NM_001366207.1 (MANE Select); 10834 bases into the intron after coding-DNA position 483, C replaced by T.
Molecular consequence: intron variant. On other transcripts: missense variant (4), non-coding transcript variant (2).
Genome position (GRCh38, 1-based): chr3:197,183,591, G>A on the plus strand (C>T on the coding strand, the complement: DLG1 is on the minus strand). VCF-style: chr3-197183591-G-A. GRCh37 (hg19) VCF-style: chr3-196910462-G-A.
Other names: c.218C>T, p.Ala73Val (NM_001204387.2, NM_001204388.2, NM_001366221.1 and 1 more transcripts); c.483+10834C>T (NM_001366203.1, NM_001290983.2, NM_001366204.1 and 19 more transcripts); short protein forms A73V.
Identifiers: ClinVar variation 3045779 (VCV003045779.2), dbSNP rs575404686, ClinGen allele CA2785790.

ClinVar aggregate classification (germline): Likely benign (0 of 4 stars; one submission).

Conditions:
DLG1-related disorder. Also called: DLG1-related condition.

Allele frequency attached by ClinVar (database versions not stated): gnomAD exomes 0.00011; ExAC 0.00012; 1000 Genomes Project 0.00080; gnomAD 0.00116; 1000 Genomes Project 30x 0.00125; TOPMed 0.00128.
gnomAD v4.1: 329 of 1,550,354 alleles (0.021%); highest among the groups gnomAD compares: African/African-American, 0.41%; 1 homozygote.

Submission:

PreventionGenetics, part of Exact Sciences
Classification: Likely benign for DLG1-related condition. Last evaluated: 2022-08-01. Review status: no assertion criteria provided. Collection method: clinical testing. Allele origin: germline.
Comment: This variant is classified as likely benign based on ACMG/AMP sequence variant interpretation guidelines (Richards et al. 2015 PMID: 25741868, with internal and published modifications).